The following is an entry in ClinVar:

NM_006073.4(TRDN):c.1369+229C>A

Gene: TRDN (triadin; minus strand). Cytogenetic location: 6q22.31.
Variant type: single nucleotide variant.
Coding change: c.1369+229C>A on transcript NM_006073.4 (MANE Select); 229 bases into the intron after coding-DNA position 1369, C replaced by A.
Molecular consequence: intron variant. On other transcripts: 3 prime UTR variant (1).
Genome position (GRCh38, 1-based): chr6:123,352,310, G>T on the plus strand (C>A on the coding strand, the complement: TRDN is on the minus strand). VCF-style: chr6-123352310-G-T. GRCh37 (hg19) VCF-style: chr6-123673455-G-T.
Other names: c.*215C>A (NM_001251987.2).
Identifiers: ClinVar variation 674816 (VCV000674816.1), dbSNP rs9375250, ClinGen allele CA147251284.
Genomic context (GRCh38, chr6:123,352,310, plus strand): 5'-GGATCATTGTCTTATTCCCAGCAATCTTCAGCATGTCCCCTGATGTAATTAAACAGTTTG[G>T]GGAGTTTCCCTGTTCGGAACTGATATTCAAAGTTCAGTTACACAAAAGAAAGACCAACCC-3'

ClinVar aggregate classification (germline): Benign (1 of 4 stars; one submission).

Allele frequency attached by ClinVar (database versions not stated): gnomAD 0.92706 and 0.92897; TOPMed 0.93230; 1000 Genomes Project 0.95607; 1000 Genomes Project 30x 0.95628.
gnomAD v4.1: 895,234 of 984,958 alleles (91%); highest among the groups gnomAD compares: East Asian, 99%; 406,924 homozygotes.

Submission:

GeneDx
Classification: Benign. Last evaluated: 2018-06-14. Review status: criteria provided, single submitter. Criteria: GeneDx Variant Classification (06012015). Collection method: clinical testing. Allele origin: germline. Affected: yes.
Comment: This variant is considered likely benign or benign based on one or more of the following criteria: it is a conservative change, it occurs at a poorly conserved position in the protein, it is predicted to be benign by multiple in silico algorithms, and/or has population frequency not consistent with disease.